The following is an entry in ClinVar:

NM_025103.4(IFT74):c.208C>T (p.Arg70Cys)

Gene: IFT74 (intraflagellar transport 74; plus strand). Cytogenetic location: 9p21.2.
Variant type: single nucleotide variant.
Coding change: c.208C>T on transcript NM_025103.4 (MANE Select); coding-DNA position 208, C replaced by T.
Protein change: p.Arg70Cys; replaces arginine 70 with cysteine.
Molecular consequence: missense variant.
Genome position (GRCh38, 1-based): chr9:26,978,215, C>T. VCF-style: chr9-26978215-C-T. GRCh37 (hg19) VCF-style: chr9-26978213-C-T.
Other names: c.208C>T, p.Arg70Cys (NM_001099222.3, NM_001099223.3, NM_001099224.3 and 1 more transcripts); short protein forms R70C.
Identifiers: ClinVar variation 4985973 (VCV004985973.1).

ClinVar aggregate classification (germline): Uncertain significance (1 of 4 stars; one submission).

Conditions:
IFT74-related disorder. Also called: IFT74-related condition; IFT74-Related Disorders.

gnomAD v4.1: 17 of 1,613,378 alleles (0.0011%); highest among the groups gnomAD compares: Non-Finnish European, 0.0014%; no homozygotes.

Submission:

PreventionGenetics, part of Exact Sciences
Classification: Uncertain significance for IFT74-related condition. Last evaluated: 2024-12-18. Review status: criteria provided, single submitter. Criteria: ACMG Guidelines, 2015. Collection method: clinical testing. Allele origin: germline.
Comment: The IFT74 c.208C>T variant is predicted to result in the amino acid substitution p.Arg70Cys. To our knowledge, this variant has not been reported in the literature. This variant is reported in 0.0065% of alleles in individuals of African descent in gnomAD. At this time, the clinical significance of this variant is uncertain due to the absence of conclusive functional and genetic evidence.